The following is an entry in ClinVar:

NM_004606.5(TAF1):c.2136T>G (p.Asp712Glu)

Gene: TAF1 (TATA-box binding protein associated factor 1; plus strand). Cytogenetic location: Xq13.1.
Variant type: single nucleotide variant.
Coding change: c.2136T>G on transcript NM_004606.5 (MANE Select); coding-DNA position 2136, T replaced by G.
Protein change: p.Asp712Glu; replaces aspartic acid 712 with glutamic acid.
Molecular consequence: missense variant. On other transcripts: non-coding transcript variant (9).
Genome position (GRCh38, 1-based): chrX:71,384,959, T>G. VCF-style: chrX-71384959-T-G. GRCh37 (hg19) VCF-style: chrX-70604809-T-G.
Other names: c.2136T>G, p.Asp712Glu (NM_001286074.2, NM_001440852.1, NM_001440853.1); c.2073T>G, p.Asp691Glu (NM_001440854.1, NM_138923.4); short protein forms D712E, D691E.
Identifiers: ClinVar variation 5002252 (VCV005002252.1).

ClinVar aggregate classification (germline): Uncertain significance (1 of 4 stars; one submission).

Conditions:
TAF1-related disorder. Also called: TAF1-related condition.

Submission:

PreventionGenetics, part of Exact Sciences
Classification: Uncertain significance for TAF1-related condition. Last evaluated: 2024-11-07. Review status: criteria provided, single submitter. Criteria: ACMG Guidelines, 2015. Collection method: clinical testing. Allele origin: germline.
Comment: The TAF1 c.2196T>G variant is predicted to result in the amino acid substitution p.Asp732Glu. To our knowledge, this variant has not been reported in the literature or in a large population database (gnomAD), indicating this variant is rare. At this time, the clinical significance of this variant is uncertain due to the absence of conclusive functional and genetic evidence.